The following is an entry in ClinVar:

NM_003072.5(SMARCA4):c.1257G>T (p.Glu419Asp)

Gene: SMARCA4 (SWI/SNF related BAF chromatin remodeling complex subunit ATPase 4; plus strand). Cytogenetic location: 19p13.2.
Variant type: single nucleotide variant.
Coding change: c.1257G>T on transcript NM_003072.5 (MANE Select); coding-DNA position 1257, G replaced by T.
Protein change: p.Glu419Asp; replaces glutamic acid 419 with aspartic acid.
Molecular consequence: missense variant. On other transcripts: non-coding transcript variant (1).
Genome position (GRCh38, 1-based): chr19:10,991,161, G>T. VCF-style: chr19-10991161-G-T. GRCh37 (hg19) VCF-style: chr19-11101837-G-T.
Other names: c.1257G>T, p.Glu419Asp (NM_001128844.3, NM_001128845.2, NM_001128846.2 and 6 more transcripts); short protein forms E419D.
Identifiers: ClinVar variation 2866771 (VCV002866771.3), dbSNP rs878854199, ClinGen allele CA404060509.

ClinVar aggregate classification (germline): Uncertain significance (1 of 4 stars; one submission).

Conditions:
Rhabdoid tumor predisposition syndrome 2 (RTPS2). Identifiers: Orphanet 231108, Orphanet 69077, MedGen C2750074, MONDO:0013224, OMIM 613325.

Submission:

Labcorp Genetics (formerly Invitae), Labcorp
Classification: Uncertain significance for Rhabdoid tumor predisposition syndrome 2. Last evaluated: 2023-05-22. Review status: criteria provided, single submitter. Criteria: Invitae Variant Classification Sherloc (09022015). Collection method: clinical testing. Allele origin: germline.
Comment: In summary, the available evidence is currently insufficient to determine the role of this variant in disease. Therefore, it has been classified as a Variant of Uncertain Significance. Advanced modeling of protein sequence and biophysical properties (such as structural, functional, and spatial information, amino acid conservation, physicochemical variation, residue mobility, and thermodynamic stability) performed at Invitae indicates that this missense variant is not expected to disrupt SMARCA4 protein function. This variant has not been reported in the literature in individuals affected with SMARCA4-related conditions. This variant is not present in population databases (gnomAD no frequency). This sequence change replaces glutamic acid, which is acidic and polar, with aspartic acid, which is acidic and polar, at codon 419 of the SMARCA4 protein (p.Glu419Asp).